The following is an entry in ClinVar:

ClinVar aggregate classification (germline): Uncertain significance (1 of 4 stars; one submission).

Conditions:
Hereditary cancer-predisposing syndrome. Also called: Hereditary Cancer Syndrome; Neoplastic Syndromes, Hereditary; Tumor predisposition; Hereditary neoplastic syndrome. Identifiers: Orphanet 140162, MedGen C0027672, MeSH D009386, MONDO:0015356.

Submission:

Ambry Genetics
Classification: Uncertain significance for Hereditary cancer-predisposing syndrome. Last evaluated: 2022-09-27. Review status: criteria provided, single submitter. Criteria: Ambry Variant Classification Scheme 2023. Collection method: clinical testing. Allele origin: germline.
Comment: The p.E1720D variant (also known as c.5160A>T), located in coding exon 15 of the APC gene, results from an A to T substitution at nucleotide position 5160. The glutamic acid at codon 1720 is replaced by aspartic acid, an amino acid with highly similar properties. This amino acid position is conserved. In addition, in silico predictors for this gene do not accurately predict pathogenicity. Since supporting evidence is limited at this time, the clinical significance of this alteration remains unclear.

NM_000038.6(APC):c.5160A>T (p.Glu1720Asp)

Gene: APC (APC regulator of Wnt signaling pathway; plus strand). Cytogenetic location: 5q22.2.
Variant type: single nucleotide variant.
Coding change: c.5160A>T on transcript NM_000038.6 (MANE Select); coding-DNA position 5160, A replaced by T.
Protein change: p.Glu1720Asp; replaces glutamic acid 1720 with aspartic acid.
Molecular consequence: missense variant.
Genome position (GRCh38, 1-based): chr5:112,840,754, A>T. VCF-style: chr5-112840754-A-T. GRCh37 (hg19) VCF-style: chr5-112176451-A-T.
Other names: c.5190A>T, p.Glu1730Asp (NM_001354897.2); c.5085A>T, p.Glu1695Asp (NM_001354898.2); c.5076A>T, p.Glu1692Asp (NM_001354899.2); c.4983A>T, p.Glu1661Asp (NM_001354901.2, NM_001407453.1); c.5037A>T, p.Glu1679Asp (NM_001354900.2); c.5160A>T, p.Glu1720Asp (NM_001127510.3, NM_001354895.2, NM_001407450.1); c.5106A>T, p.Glu1702Asp (NM_001127511.3); c.5214A>T, p.Glu1738Asp (NM_001354896.2, NM_001407447.1, NM_001407448.1 and 1 more transcripts); and 11 more; short protein forms E1336D, E1591D, E1594D, E1695D, E1702D, E1720D, E1748D, E1629D.
Identifiers: ClinVar variation 1745723 (VCV001745723.2), dbSNP rs1580656897, ClinGen allele CA16032611.